The following is an entry in ClinVar:

ClinVar aggregate classification (germline): Uncertain significance. Review status: criteria provided, multiple submitters, no conflicts (2 of 4 stars). 2 submissions from 2 submitters: Uncertain significance (2). Last evaluated 2025-04-14.

Conditions:
Wilson disease (WND). Also called: Wilson's disease. Identifiers: Orphanet 905, MedGen C0019202, MONDO:0010200, OMIM 277900. Disease mechanism: loss of function.

Submissions (2):

Labcorp Genetics (formerly Invitae), Labcorp
Classification: Uncertain significance for Wilson disease. Last evaluated: 2025-04-14. Review status: criteria provided, single submitter. Criteria: Invitae Variant Classification Sherloc (09022015). Collection method: clinical testing. Allele origin: germline.
Comment: This sequence change replaces alanine, which is neutral and non-polar, with valine, which is neutral and non-polar, at codon 1114 of the ATP7B protein (p.Ala1114Val). This variant is not present in population databases (gnomAD no frequency). This variant has not been reported in the literature in individuals affected with ATP7B-related conditions. ClinVar contains an entry for this variant (Variation ID: 1686488). Invitae Evidence Modeling of protein sequence and biophysical properties (such as structural, functional, and spatial information, amino acid conservation, physicochemical variation, residue mobility, and thermodynamic stability) indicates that this missense variant is not expected to disrupt ATP7B protein function with a negative predictive value of 80%. In summary, the available evidence is currently insufficient to determine the role of this variant in disease. Therefore, it has been classified as a Variant of Uncertain Significance.

Mendelics
Classification: Uncertain significance. Last evaluated: 2022-05-04. Review status: criteria provided, single submitter. Criteria: Mendelics Assertion Criteria 2019. Collection method: clinical testing. Allele origin: germline.

NM_000053.4(ATP7B):c.3341C>T (p.Ala1114Val)

Gene: ATP7B (ATPase copper transporting beta; minus strand). Cytogenetic location: 13q14.3.
Variant type: single nucleotide variant.
Coding change: c.3341C>T on transcript NM_000053.4 (MANE Select); coding-DNA position 3341, C replaced by T.
Protein change: p.Ala1114Val; replaces alanine 1114 with valine.
Molecular consequence: missense variant.
Genome position (GRCh38, 1-based): chr13:51,942,457, G>A on the plus strand (C>T on the coding strand, the complement: ATP7B is on the minus strand). VCF-style: chr13-51942457-G-A. GRCh37 (hg19) VCF-style: chr13-52516593-G-A.
Other names: c.2720C>T, p.Ala907Val (NM_001005918.3); c.3008C>T, p.Ala1003Val (NM_001243182.2); c.3107C>T, p.Ala1036Val (NM_001330578.2); c.3089C>T, p.Ala1030Val (NM_001330579.2); short protein forms A1003V, A1030V, A1036V, A1114V, A907V.
Identifiers: ClinVar variation 1686488 (VCV001686488.7), dbSNP rs2138850408, ClinGen allele CA388028212.